The following is an entry in ClinVar:

ClinVar aggregate classification (germline): Uncertain significance. Review status: criteria provided, multiple submitters, no conflicts (2 of 4 stars). 2 submissions from 2 submitters: Uncertain significance (2). Last evaluated 2022-05-07.

Conditions:
Neuronal ceroid lipofuscinosis. Also called: Neuronal Ceroid Lipofuscinoses. Identifiers: Orphanet 216, Orphanet 79263, MedGen C0027877, MONDO:0016295. Disease mechanism: loss of function.

Allele frequency attached by ClinVar (database versions not stated): ExAC 0.00001; gnomAD 0.00001; gnomAD exomes 0.00001; TOPMed 0.00001.
gnomAD v4.1: 8 of 1,613,272 alleles (0.0005%); highest among the groups gnomAD compares: Non-Finnish European, 0.00068%; no homozygotes.

Submissions (2):

Labcorp Genetics (formerly Invitae), Labcorp
Classification: Uncertain significance for Neuronal ceroid lipofuscinosis. Last evaluated: 2022-05-07. Review status: criteria provided, single submitter. Criteria: Invitae Variant Classification Sherloc (09022015). Collection method: clinical testing. Allele origin: germline.
Comment: This sequence change replaces isoleucine, which is neutral and non-polar, with valine, which is neutral and non-polar, at codon 101 of the CLN6 protein (p.Ile101Val). This variant is present in population databases (rs774238261, gnomAD 0.003%). This variant has not been reported in the literature in individuals affected with CLN6-related conditions. ClinVar contains an entry for this variant (Variation ID: 429681). Algorithms developed to predict the effect of missense changes on protein structure and function output the following: SIFT: "Tolerated"; PolyPhen-2: "Benign"; Align-GVGD: "Class C0". The valine amino acid residue is found in multiple mammalian species, which suggests that this missense change does not adversely affect protein function. In summary, the available evidence is currently insufficient to determine the role of this variant in disease. Therefore, it has been classified as a Variant of Uncertain Significance.

GeneDx
Classification: Uncertain significance. Last evaluated: 2017-05-15. Review status: criteria provided, single submitter. Criteria: GeneDx Variant Classification (06012015). Collection method: clinical testing. Allele origin: germline. Affected: yes.
Comment: A variant of uncertain significance has been identified in the CLN6 gene. The I101V variant has not been published as a pathogenic variant, nor has it been reported as a benign variant to our knowledge. The I101V variant is not observed at a significant frequency in large population cohorts (Lek et al., 2016; 1000 Genomes Consortium et al., 2015; Exome Variant Server). The I101V variant is a conservative amino acid substitution, which is not likely to impact secondary protein structure as these residues share similar properties. This substitution occurs at a position where amino acids with similar properties to Isoleucine are tolerated across species. However, in silico analysis is inconsistent in its predictions as to whether or not the variant is damaging to the protein structure/function. Furthermore, missense variants in nearby residues (K99N, R103W/Q, S104F) have been reported in the Human Gene Mutation Database in association with neuronal ceroid lipofuscinosis (Stenson et al., 2014), supporting the functional importance of this region of the protein. Therefore, based on the currently available information, it is unclear whether this variant is a pathogenic variant or a rare benign variant.

NM_017882.3(CLN6):c.301A>G (p.Ile101Val)

Gene: CLN6 (CLN6 transmembrane ER protein; minus strand). Cytogenetic location: 15q23.
Variant type: single nucleotide variant.
Coding change: c.301A>G on transcript NM_017882.3 (MANE Select); coding-DNA position 301, A replaced by G.
Protein change: p.Ile101Val; replaces isoleucine 101 with valine.
Molecular consequence: missense variant.
Genome position (GRCh38, 1-based): chr15:68,211,860, T>C on the plus strand (A>G on the coding strand, the complement: CLN6 is on the minus strand). VCF-style: chr15-68211860-T-C. GRCh37 (hg19) VCF-style: chr15-68504198-T-C.
Other names: short protein forms I101V.
Identifiers: ClinVar variation 429681 (VCV000429681.4), dbSNP rs774238261, ClinGen allele CA7630629.
Genomic context (GRCh38, chr15:68,211,860, plus strand): 5'-TGAAGATGATGATGCTCACGTACGTGATGGAGCGTGGCAGGGTGCGGGGGGACCGCTCGA[T>C]GAGCTGGGGTTCAGAGTGGGGTTGGCAGCATGACCCCACCTCTGTCACAGTATGTGACAC-3'
Protein context (NP_060352.1, residues 91-111): VITPFLLLKL[Ile101Val]ERSPRTLPRS